The following is an entry in ClinVar:

NM_138927.4(SON):c.5343G>C (p.Glu1781Asp)

Gene: SON (SON DNA and RNA binding protein; plus strand). Cytogenetic location: 21q22.11.
Variant type: single nucleotide variant.
Coding change: c.5343G>C on transcript NM_138927.4 (MANE Select); coding-DNA position 5343, G replaced by C.
Protein change: p.Glu1781Asp; replaces glutamic acid 1781 with aspartic acid.
Molecular consequence: missense variant. On other transcripts: non-coding transcript variant (1), intron variant (1).
Genome position (GRCh38, 1-based): chr21:33,554,574, G>C. VCF-style: chr21-33554574-G-C. GRCh37 (hg19) VCF-style: chr21-34926880-G-C.
Other names: c.5343G>C, p.Glu1781Asp (NM_001291411.2, NM_032195.3); c.245-2582G>C (NM_001291412.3); short protein forms E1781D.
Identifiers: ClinVar variation 5002706 (VCV005002706.1).

ClinVar aggregate classification (germline): Uncertain significance (1 of 4 stars; one submission).

Conditions:
ZTTK syndrome (ZTTKS). Also called: ZTTK MULTIPLE CONGENITAL ANOMALIES-MENTAL RETARDATION SYNDROME; Zhu-Tokita-Takenouchi-Kim Syndrome. Identifiers: Orphanet 500150, MedGen C4310696, MONDO:0014936, OMIM 617140.

Submission:

OLLIN Analises Genomicas, OLLIN
Classification: Uncertain significance for ZTTK syndrome. Last evaluated: 2026-08-06. Review status: criteria provided, single submitter. Criteria: ACMG Guidelines 2015 PMID 25741868. Collection method: clinical testing. Allele origin: germline. Inheritance: Autosomal dominant inheritance.
Comment: This missense variant, located in exon 3 (of 12), is absent from gnomAD and ClinVar and has not been identified in the literature. In silico analysis predicts that this variant has a tolerated effect. According to the currently available evidence, this variant has been classified as uncertain significance (PM2_P, BP4_M).